The following is an entry in ClinVar:

NM_007294.4(BRCA1):c.135-11A>C

Gene: BRCA1 (BRCA1 DNA repair associated; minus strand). Cytogenetic location: 17q21.31.
Variant type: single nucleotide variant.
Coding change: c.135-11A>C on transcript NM_007294.4 (MANE Select); 11 bases into the intron before coding-DNA position 135, A replaced by C.
Molecular consequence: intron variant.
Genome position (GRCh38, 1-based): chr17:43,106,544, T>G on the plus strand (A>C on the coding strand, the complement: BRCA1 is on the minus strand). VCF-style: chr17-43106544-T-G. GRCh37 (hg19) VCF-style: chr17-41258561-T-G.
Other names: c.-7-11A>C (NM_001408458.1, NM_001407931.1, NM_001407747.1 and 99 more transcripts); c.-218-11684A>C (NM_001407967.1, NM_001407966.1); c.-169-1588A>C (NM_001407959.1, NM_001407962.1, NM_001408512.1 and 4 more transcripts); c.-54-11A>C (NM_001407885.1, NM_001407886.1, NM_001407898.1 and 58 more transcripts); c.135-11A>C (NM_001407686.1, NM_001408397.1, NM_001407632.1 and 167 more transcripts); c.81-1588A>C (NM_001408451.1); c.135-1588A>C (NM_001408475.1, NM_001407875.1, NM_001407659.1 and 21 more transcripts).
Identifiers: ClinVar variation 867252 (VCV000867252.3), dbSNP rs769549104, ClinGen allele CA916080930.

Conditions:
Breast-ovarian cancer, familial, susceptibility to, 1 (BROVCA1). Also called: BRCA1 Hereditary Breast and Ovarian Cancer; OVARIAN CANCER, SUSCEPTIBILITY TO. Identifiers: Orphanet 145, MedGen C2676676, MONDO:0011450, OMIM 604370. Disease mechanism: loss of function.

Submission:

Brotman Baty Institute, University of Washington
No classification provided (evidence only). Condition: Breast-ovarian cancer, familial 1. Review status: no classification provided. Collection method: in vitro. Allele origin: not applicable. Functional consequence: function_uncertain_variant.
ClinVar note: "not provided" was previously submitted as the classification for the variant. However, the classification appeared to be based only on an observation of functional data so it was converted to no classification on 2025-07-30.